The following is an entry in ClinVar:

ClinVar aggregate classification (germline): Conflicting classifications of pathogenicity. Review status: criteria provided, conflicting classifications (1 of 4 stars). 2 submissions from 2 submitters: Uncertain significance (1); Likely benign (1). Last evaluated 2024-07-29.

Conditions:
Hypercholesterolemia, autosomal dominant, 3 (FHCL3). Also called: PCSK9-Related Familial Hypercholesterolemia, Autosomal Dominant; Familial hypercholesterolemia 3; Familial Hypercholesterolemia, Autosomal Dominant, 3. Identifiers: MedGen C1863551, MONDO:0011369, OMIM 603776.

Submissions (2):

Women's Health and Genetics/Laboratory Corporation of America, LabCorp
Classification: Uncertain significance. Last evaluated: 2024-07-29. Review status: criteria provided, single submitter. Criteria: LabCorp Variant Classification Summary - May 2015. Collection method: clinical testing. Allele origin: germline.
Comment: Variant summary: PCSK9 c.1181-3delC alters a conserved nucleotide located close to a canonical splice site and therefore could affect mRNA splicing, leading to a significantly altered protein sequence. Consensus agreement among computation tools predict no significant impact on normal splicing. However, these predictions have yet to be confirmed by functional studies. The variant was absent in 250456 control chromosomes. The available data on variant occurrences in the general population are insufficient to allow any conclusion about variant significance. To our knowledge, no occurrence of c.1181-3delC in individuals affected with Familial Hypercholesterolemia and no experimental evidence demonstrating its impact on protein function have been reported. No submitters have cited clinical-significance assessments for this variant to ClinVar. Based on the evidence outlined above, the variant was classified as uncertain significance.

Labcorp Genetics (formerly Invitae), Labcorp
Classification: Likely benign for Hypercholesterolemia, autosomal dominant, 3. Last evaluated: 2024-04-15. Review status: criteria provided, single submitter. Criteria: Invitae Variant Classification Sherloc (09022015). Collection method: clinical testing. Allele origin: germline.

NM_174936.4(PCSK9):c.1181-3del

Gene: PCSK9 (proprotein convertase subtilisin/kexin type 9; plus strand). Cytogenetic location: 1p32.3.
Variant type: Deletion.
Coding change: c.1181-3del on transcript NM_174936.4 (MANE Select); 3 bases into the intron before coding-DNA position 1181, one base deleted (C; older notation c.1181-3delC).
Molecular consequence: intron variant.
Genome position (GRCh38, 1-based): chr1:55,058,033, C deleted; the last of 2 consecutive C bases (chr1:55,058,032-55,058,033); deleting either gives the same sequence. VCF-style (leftmost placement, unchanged base first): chr1-55058031-AC-A. GRCh37 (hg19) VCF-style: chr1-55523704-AC-A.
Other names: c.1181-3delC (NM_174936.4); c.806-3del (NM_001407246.1); c.1304-3del (NM_001407240.1); c.1184-3del (NM_001407242.1); c.1181-3del (NM_001407241.1); c.1181-466del (NM_001407244.1); c.1180+519del (NM_001407247.1); c.1124-3del (NM_001407243.1); and 1 more.
Identifiers: ClinVar variation 3339292 (VCV003339292.3).